The following is an entry in ClinVar:

NM_173628.4(DNAH17):c.10965G>A (p.Ala3655=)

Gene: DNAH17 (dynein axonemal heavy chain 17; minus strand). Cytogenetic location: 17q25.3.
Variant type: single nucleotide variant.
Coding change: c.10965G>A on transcript NM_173628.4 (MANE Select); coding-DNA position 10965, G replaced by A.
Protein change: p.Ala3655=; no amino-acid change (alanine 3655 retained).
Molecular consequence: synonymous variant.
Genome position (GRCh38, 1-based): chr17:78,450,329, C>T on the plus strand (G>A on the coding strand, the complement: DNAH17 is on the minus strand). VCF-style: chr17-78450329-C-T. GRCh37 (hg19) VCF-style: chr17-76446411-C-T.
Identifiers: ClinVar variation 2648351 (VCV002648351.25), dbSNP rs144867938, ClinGen allele CA8800633.

ClinVar aggregate classification (germline): Likely benign. Review status: criteria provided, multiple submitters, no conflicts (2 of 4 stars). 2 submissions from 2 submitters: Likely benign (2). Last evaluated 2024-11-26.

Allele frequency attached by ClinVar (database versions not stated): TOPMed 0.00058; ESP Exome Variant Server 0.00069; gnomAD exomes 0.00071; 1000 Genomes Project 30x 0.00078; gnomAD 0.00084; ExAC 0.00087; 1000 Genomes Project 0.00100.
gnomAD v4.1: 1,161 of 1,613,956 alleles (0.072%); highest among the groups gnomAD compares: Non-Finnish European, 0.072%; 1 homozygote.

Submissions (2):

Blueprint Genetics
Classification: Likely benign. Last evaluated: 2024-11-26. Review status: criteria provided, single submitter. Criteria: ACMG Guidelines, 2015. Collection method: clinical testing. Allele origin: germline.

CeGaT Center for Human Genetics Tuebingen
Classification: Likely benign. Last evaluated: 2023-10-01. Review status: criteria provided, single submitter. Criteria: CeGaT Center For Human Genetics Tuebingen Variant Classification Criteria Version 2. Collection method: clinical testing. Allele origin: germline. Affected: yes. Observed: 1 variant allele.
Comment: DNAH17: BP4, BP7